The following is an entry in ClinVar:

NM_001851.6(COL9A1):c.2159G>A (p.Arg720Gln)

Gene: COL9A1 (collagen type IX alpha 1 chain; minus strand). Cytogenetic location: 6q13.
Variant type: single nucleotide variant.
Coding change: c.2159G>A on transcript NM_001851.6 (MANE Select); coding-DNA position 2159, G replaced by A.
Protein change: p.Arg720Gln; replaces arginine 720 with glutamine.
Molecular consequence: missense variant. On other transcripts: non-coding transcript variant (1), intron variant (1).
Genome position (GRCh38, 1-based): chr6:70,234,894, C>T on the plus strand (G>A on the coding strand, the complement: COL9A1 is on the minus strand). VCF-style: chr6-70234894-C-T. GRCh37 (hg19) VCF-style: chr6-70944597-C-T.
Other names: c.1460G>A, p.Arg487Gln (NM_001377289.1); c.1430G>A, p.Arg477Gln (NM_078485.4); c.1384-301G>A (NM_001377290.1); short protein forms R720Q, R477Q, R487Q.
Identifiers: ClinVar variation 196890 (VCV000196890.26), dbSNP rs192467838, ClinGen allele CA244670.

ClinVar aggregate classification (germline): Conflicting classifications of pathogenicity. Review status: criteria provided, conflicting classifications (1 of 4 stars). 8 submissions from 7 submitters: Uncertain significance (4); Likely benign (2). 2 of the submissions do not count toward it. Last evaluated 2026-07-12.

Conditions:
COL9A1-related disorder. Also called: COL9A1-related disorders; COL9A1-related condition.
Retinal dystrophy. Also called: Inherited retinal dystrophy. Identifiers: Orphanet 71862, MedGen C0854723, MeSH D058499, MONDO:0019118, HP:0000556.
Optic atrophy. Identifiers: MedGen C0029124, MONDO:0003608, HP:0000648.

Allele frequency attached by ClinVar (database versions not stated): gnomAD 0.00041 and 0.00040; gnomAD exomes 0.00044 and 0.00056; ExAC 0.00045; ESP Exome Variant Server 0.00046; 1000 Genomes Project 30x 0.00031; TOPMed 0.00039; 1000 Genomes Project 0.00040.
gnomAD v4.1: 866 of 1,614,144 alleles (0.054%); highest among the groups gnomAD compares: Non-Finnish European, 0.068%; 1 homozygote.

Submissions (8):

PreventionGenetics, part of Exact Sciences
Classification: Uncertain significance for COL9A1-related condition. Last evaluated: 2026-07-12. Review status: criteria provided, single submitter. Criteria: ACMG Guidelines, 2015. Collection method: clinical testing. Allele origin: germline.
Comment: The COL9A1 c.2159G>A variant is predicted to result in the amino acid substitution p.Arg720Gln. This variant, along with four other heterozygous variants in different genes, has been reported in the heterozygous state in an individual with retinitis pigmentosa (Supplementary Table 1, subject 22, Tiwari et al. 2016. PubMed ID: 27353947). This variant is reported in 0.078% of alleles in individuals of European (Non-Finnish) descent in gnomAD, which may be too common to be a primary cause of disease. Although we suspect that this variant may be benign, at this time, the clinical significance of this variant is uncertain due to the absence of conclusive functional and genetic evidence.

Labcorp Genetics (formerly Invitae), Labcorp
Classification: Likely benign. Last evaluated: 2026-01-28. Review status: criteria provided, single submitter. Criteria: Invitae Variant Classification Sherloc (09022015). Collection method: clinical testing. Allele origin: germline.

Blueprint Genetics
Classification: Likely benign. Last evaluated: 2024-11-21. Review status: criteria provided, single submitter. Criteria: ACMG Guidelines, 2015. Collection method: clinical testing. Allele origin: germline.

GeneDx
Classification: Uncertain significance. Last evaluated: 2024-03-04. Review status: criteria provided, single submitter. Criteria: GeneDx Variant Classification Process June 2021. Collection method: clinical testing. Allele origin: germline. Affected: yes.
Comment: Reported as a heterozygous variant in one individual undergoing exome sequencing for retinitis pigmentosa (PMID: 27353947), but has not been published in association with a known COL9A1-related phenotype to our knowledge; In silico analysis supports that this missense variant does not alter protein structure/function; This variant is associated with the following publications: (PMID: 27353947)

Center for Pediatric Genomic Medicine, Children's Mercy Hospital and Clinics
Classification: Uncertain significance. Last evaluated: 2016-10-17. Review status: criteria provided, single submitter. Criteria: ACMG Guidelines, 2015. Collection method: clinical testing. Allele origin: germline.
ClinVar note: Converted during submission from Uncertain Significance to Uncertain significance.

Eurofins Ntd Llc (ga)
Classification: Uncertain significance. Last evaluated: 2015-06-05. Review status: criteria provided, single submitter. Criteria: EGL Classification Definitions 2015. Collection method: clinical testing. Allele origin: germline. Observed: 1 variant allele, 1 heterozygote.

Institute of Human Genetics, Univ. Regensburg, Univ. Regensburg
Classification: Uncertain significance for Optic atrophy. Last evaluated: 2023-01-01. Review status: no assertion criteria provided. Criteria: ACMG Guidelines, 2015. Collection method: clinical testing. Allele origin: germline. Affected: yes. Not counted in ClinVar's aggregate classification.

Institute of Human Genetics, Univ. Regensburg, Univ. Regensburg
Classification: Uncertain significance for Retinal dystrophy. Last evaluated: 2023-01-01. Review status: no assertion criteria provided. Criteria: ACMG Guidelines, 2015. Collection method: clinical testing. Allele origin: germline. Affected: yes. Not counted in ClinVar's aggregate classification.